The following is an entry in ClinVar:

ClinVar aggregate classification (germline): Pathogenic/Likely pathogenic. Review status: criteria provided, multiple submitters, no conflicts (2 of 4 stars). 5 submissions from 5 submitters: Pathogenic (4); Likely pathogenic (1). Last evaluated 2025-08-14.

Conditions:
Cardiovascular phenotype. Identifiers: MedGen CN230736.
Hereditary cancer-predisposing syndrome. Also called: Hereditary Cancer Syndrome; Tumor predisposition; Neoplastic Syndromes, Hereditary; Hereditary neoplastic syndrome. Identifiers: Orphanet 140162, MedGen C0027672, MeSH D009386, MONDO:0015356.
Neurofibromatosis, type 1 (NF1). Also called: Peripheral type neurofibromatosis; VON RECKLINGHAUSEN DISEASE; NEUROFIBROMATOSIS, TYPE I, SOMATIC; Neurofibromatosis, type I. Identifiers: Orphanet 636, MedGen C0027831, MONDO:0018975, OMIM 162200. Disease mechanism: loss of function.

Allele frequency attached by ClinVar (database versions not stated): gnomAD exomes below 0.00001.

Submissions (5):

Labcorp Genetics (formerly Invitae), Labcorp
Classification: Pathogenic for Neurofibromatosis, type 1. Last evaluated: 2025-08-14. Review status: criteria provided, single submitter. Criteria: Invitae Variant Classification Sherloc (09022015). Collection method: clinical testing. Allele origin: germline.
Comment: This sequence change creates a premature translational stop signal (p.Thr1536Asnfs*7) in the NF1 gene. It is expected to result in an absent or disrupted protein product. Loss-of-function variants in NF1 are known to be pathogenic (PMID: 10712197, 23913538). This variant is not present in population databases (gnomAD no frequency). This premature translational stop signal has been observed in individual(s) with neurofibromatosis type 1 (PMID: 26740943). Invitae Evidence Modeling of clinical and family history, age, sex, and reported ancestry of multiple individuals with this NF1 variant has been performed. This variant is expected to be pathogenic with a positive predictive value of at least 99%. This is a validated machine learning model that incorporates the clinical features of 1,785,918 individuals referred to our laboratory for NF1 testing. ClinVar contains an entry for this variant (Variation ID: 503769). Algorithms developed to predict the effect of sequence changes on RNA splicing suggest that this variant may disrupt the consensus splice site. For these reasons, this variant has been classified as Pathogenic.

Genome-Nilou Lab
Classification: Pathogenic for Neurofibromatosis, type 1. Last evaluated: 2022-03-15. Review status: criteria provided, single submitter. Criteria: ACMG Guidelines, 2015. Collection method: clinical testing. Allele origin: germline. Affected: no.

Ambry Genetics
Classification: Pathogenic for Cardiovascular phenotype; Hereditary cancer-predisposing syndrome. Last evaluated: 2018-01-03. Review status: criteria provided, single submitter. Criteria: Ambry Variant Classification Scheme 2023. Collection method: clinical testing. Allele origin: germline.
Comment: The c.4606dupA pathogenic mutation, located in coding exon 34 of the NF1 gene, results from a duplication of A at nucleotide position 4606, causing a translational frameshift with a predicted alternate stop codon (p.T1536Nfs*7). This alteration is expected to result in loss of function by premature protein truncation or nonsense-mediated mRNA decay. As such, this alteration is interpreted as a disease-causing mutation.

GeneDx
Classification: Pathogenic. Last evaluated: 2017-11-14. Review status: criteria provided, single submitter. Criteria: GeneDx Variant Classification (06012015). Collection method: clinical testing. Allele origin: germline. Affected: yes.
Comment: The c.4606dupA variant in the NF1 gene has been reported previously in association with NF1 (Bianchessi et al., 2015). The duplication causes a frameshift starting with codon Threonine 1536, changes this amino acid to an Asparagine residue and creates a premature Stop codon at position 7 of the new reading frame, denoted p.Thr1536AsnfsX7. This variant is predicted to cause loss of normal protein function either through protein truncation or nonsense-mediated mRNA decay. The variant is not observed in large population cohorts (Lek et al., 2016). In summary, we consider this variant to be pathogenic.

Center for Human Genetics, Inc
Classification: Likely pathogenic for Neurofibromatosis, type 1. Last evaluated: 2016-11-01. Review status: criteria provided, single submitter. Criteria: ACMG Guidelines, 2015. Collection method: clinical testing. Allele origin: germline. Affected: yes.

Literature cited by the submitters: PubMed 10712197 (cited by Labcorp Genetics (formerly Invitae), Labcorp); PubMed 23913538 (cited by Labcorp Genetics (formerly Invitae), Labcorp); PubMed 26740943 (cited by Labcorp Genetics (formerly Invitae), Labcorp).

NM_001042492.3(NF1):c.4669dup (p.Thr1557fs)

Gene: NF1 (neurofibromin 1; plus strand). Cytogenetic location: 17q11.2.
Variant type: Duplication.
Coding change: c.4669dup on transcript NM_001042492.3 (MANE Select); coding-DNA position 4669, one base duplicated (A; older notation c.4669dupA).
Protein change: p.Thr1557fs; shifts the reading frame from threonine 1557.
Molecular consequence: frameshift variant.
Genome position (GRCh38, 1-based): chr17:31,261,802, A duplicated. VCF-style (leftmost placement, unchanged base first): chr17-31261801-T-TA. GRCh37 (hg19) VCF-style: chr17-29588819-T-TA.
Other names: c.4606dup, p.Thr1536Asnfs (NM_000267.4); c.4606dupA (NM_000267.3); short protein forms T1536fs, T1557fs.
Identifiers: ClinVar variation 503769 (VCV000503769.14), dbSNP rs1555619033, ClinGen allele CA658798807.
Genomic context (GRCh38, chr17:31,261,801, plus strand): 5'-TGATAAGATGGCAACACTTCTTGCATACCTGGGTCCTCCAGAGCACAAACCTGTGGCAGA[T>TA]ACACACTGGTCCAGCCTTAACCTTACCAGTTCAAAGTTTGAGGAATTTATGACTAGGTAA-3'